The following is an entry in ClinVar:

ClinVar aggregate classification (germline): Pathogenic (1 of 4 stars; one submission).

Submission:

GeneDx
Classification: Pathogenic. Last evaluated: 2025-05-12. Review status: criteria provided, single submitter. Criteria: GeneDx Variant Classification Process June 2021. Collection method: clinical testing. Allele origin: germline. Affected: yes.
Comment: Reported in association with Koolen-De Vries syndrome (PMID: 36529818, 28440867); Nonsense variant predicted to result in protein truncation or nonsense mediated decay in a gene for which loss of function is a known mechanism of disease; Not observed at significant frequency in large population cohorts (gnomAD); This variant is associated with the following publications: (PMID: 39654190, 39081270, 28440867, 36529818)

NM_015443.4(KANSL1):c.2066G>A (p.Trp689Ter)

Gene: KANSL1 (KAT8 regulatory NSL complex subunit 1). Cytogenetic location: 17q21.31.
Variant type: single nucleotide variant.
Coding change: c.2066G>A on transcript NM_015443.4 (MANE Select); coding-DNA position 2066, G replaced by A.
Protein change: p.Trp689Ter; replaces tryptophan 689 with a stop codon.
Molecular consequence: nonsense.
Genome position (GRCh38, 1-based): chr17:46,039,839, C>T on the plus strand (G>A on the coding strand, the complement: KANSL1 is on the minus strand). VCF-style: chr17-46039839-C-T. GRCh37 (hg19) VCF-style: chr17-44117205-C-T.
Other names: c.2066G>A, p.Trp689Ter (NM_001193465.2, NM_001193466.2, NM_001379198.1 and 14 more transcripts); c.1964G>A, p.Trp655Ter (NM_001405859.1, NM_001405860.1, NM_001405861.1 and 1 more transcripts); c.800G>A, p.Trp267Ter (NM_001405882.1, NM_001405883.1, NM_001405884.1 and 1 more transcripts); short protein forms W267*, W655*, W689*.
Identifiers: ClinVar variation 4529662 (VCV004529662.1).